The following is an entry in ClinVar:

NM_198407.2(GHSR):c.703A>G (p.Ile235Val)

Gene: GHSR (growth hormone secretagogue receptor; minus strand). Cytogenetic location: 3q26.31.
Variant type: single nucleotide variant.
Coding change: c.703A>G on transcript NM_198407.2 (MANE Select); coding-DNA position 703, A replaced by G.
Protein change: p.Ile235Val; replaces isoleucine 235 with valine.
Molecular consequence: missense variant.
Genome position (GRCh38, 1-based): chr3:172,447,711, T>C on the plus strand (A>G on the coding strand, the complement: GHSR is on the minus strand). VCF-style: chr3-172447711-T-C. GRCh37 (hg19) VCF-style: chr3-172165501-T-C.
Other names: c.703A>G, p.Ile235Val (NM_004122.2); short protein forms I235V.
Identifiers: ClinVar variation 2882910 (VCV002882910.3), dbSNP rs772178400, ClinGen allele CA2706420.

ClinVar aggregate classification (germline): Uncertain significance (1 of 4 stars; one submission).

Allele frequency attached by ClinVar (database versions not stated): ExAC 0.00002; gnomAD 0.00005.

Submission:

Labcorp Genetics (formerly Invitae), Labcorp
Classification: Uncertain significance. Last evaluated: 2023-03-17. Review status: criteria provided, single submitter. Criteria: Invitae Variant Classification Sherloc (09022015). Collection method: clinical testing. Allele origin: germline.
Comment: This sequence change replaces isoleucine, which is neutral and non-polar, with valine, which is neutral and non-polar, at codon 235 of the GHSR protein (p.Ile235Val). This variant is present in population databases (rs772178400, gnomAD 0.02%). This variant has not been reported in the literature in individuals affected with GHSR-related conditions. Advanced modeling of protein sequence and biophysical properties (such as structural, functional, and spatial information, amino acid conservation, physicochemical variation, residue mobility, and thermodynamic stability) has been performed at Invitae for this missense variant, however the output from this modeling did not meet the statistical confidence thresholds required to predict the impact of this variant on GHSR protein function. In summary, the available evidence is currently insufficient to determine the role of this variant in disease. Therefore, it has been classified as a Variant of Uncertain Significance.